The following is an entry in ClinVar:

NM_173728.4(ARHGEF15):c.874A>G (p.Ile292Val)

Gene: ARHGEF15 (Rho guanine nucleotide exchange factor 15; plus strand). Cytogenetic location: 17p13.1.
Variant type: single nucleotide variant.
Coding change: c.874A>G on transcript NM_173728.4 (MANE Select); coding-DNA position 874, A replaced by G.
Protein change: p.Ile292Val; replaces isoleucine 292 with valine.
Molecular consequence: missense variant.
Genome position (GRCh38, 1-based): chr17:8,313,194, A>G. VCF-style: chr17-8313194-A-G. GRCh37 (hg19) VCF-style: chr17-8216512-A-G.
Other names: c.874A>G, p.Ile292Val (NM_025014.2); short protein forms I292V.
Identifiers: ClinVar variation 4764792 (VCV004764792.1).

ClinVar aggregate classification (germline): Uncertain significance (1 of 4 stars; one submission).

Conditions:
Early-infantile DEE. Also called: Early infantile epileptic encephalopathy with suppression bursts; Early infantile epileptic encephalopathy; Ohtahara syndrome. Identifiers: Orphanet 1934, MedGen C0393706, MONDO:0800491.

gnomAD v4.1: 3 of 1,608,568 alleles (0.00019%); highest among the groups gnomAD compares: Non-Finnish European, 0.00025%; no homozygotes.

Submission:

Labcorp Genetics (formerly Invitae), Labcorp
Classification: Uncertain significance for Early-infantile DEE. Last evaluated: 2025-09-03. Review status: criteria provided, single submitter. Criteria: Invitae Variant Classification Sherloc (09022015). Collection method: clinical testing. Allele origin: germline.
Comment: This sequence change replaces isoleucine, which is neutral and non-polar, with valine, which is neutral and non-polar, at codon 292 of the ARHGEF15 protein (p.Ile292Val). This variant is present in population databases (rs762256144, gnomAD 0.002%). This variant has not been reported in the literature in individuals affected with ARHGEF15-related conditions. An algorithm developed to predict the effect of missense changes on protein structure and function outputs the following: PolyPhen-2: "Benign". The valine amino acid residue is found in multiple mammalian species, which suggests that this missense change does not adversely affect protein function. In summary, the available evidence is currently insufficient to determine the role of this variant in disease. Therefore, it has been classified as a Variant of Uncertain Significance.